The following is an entry in ClinVar:

NM_172369.5(C1QC):c.683T>C (p.Val228Ala)

Gene: C1QC (complement C1q C chain; plus strand). Cytogenetic location: 1p36.12.
Variant type: single nucleotide variant.
Coding change: c.683T>C on transcript NM_172369.5 (MANE Select); coding-DNA position 683, T replaced by C.
Protein change: p.Val228Ala; replaces valine 228 with alanine.
Molecular consequence: missense variant.
Genome position (GRCh38, 1-based): chr1:22,647,728, T>C. VCF-style: chr1-22647728-T-C. GRCh37 (hg19) VCF-style: chr1-22974221-T-C.
Other names: c.683T>C, p.Val228Ala (NM_001114101.3, NM_001347619.2); c.416T>C, p.Val139Ala (NM_001347620.2); c.683T>C (NM_172369.3); short protein forms V139A, V228A.
Identifiers: ClinVar variation 1957899 (VCV001957899.8), dbSNP rs1184290213, ClinGen allele CA338939194.

ClinVar aggregate classification (germline): Uncertain significance. Review status: criteria provided, multiple submitters, no conflicts (2 of 4 stars). 2 submissions from 2 submitters: Uncertain significance (2). Last evaluated 2025-10-23.

Conditions:
Inborn genetic diseases. Identifiers: MedGen C0950123, MeSH D030342.

Allele frequency attached by ClinVar (database versions not stated): gnomAD exomes below 0.00001; gnomAD 0.00001; TOPMed 0.00001.
gnomAD v4.1: 2 of 1,601,484 alleles (0.00012%); highest among the groups gnomAD compares: Non-Finnish European, 0.00017%; no homozygotes.

Submissions (2):

Ambry Genetics
Classification: Uncertain significance for Inborn genetic diseases. Last evaluated: 2025-10-23. Review status: criteria provided, single submitter. Criteria: Ambry Variant Classification Scheme 2023. Collection method: clinical testing. Allele origin: germline.

Labcorp Genetics (formerly Invitae), Labcorp
Classification: Uncertain significance. Last evaluated: 2022-05-15. Review status: criteria provided, single submitter. Criteria: Invitae Variant Classification Sherloc (09022015). Collection method: clinical testing. Allele origin: germline.
Comment: In summary, the available evidence is currently insufficient to determine the role of this variant in disease. Therefore, it has been classified as a Variant of Uncertain Significance. Algorithms developed to predict the effect of missense changes on protein structure and function are either unavailable or do not agree on the potential impact of this missense change (SIFT: "Tolerated"; PolyPhen-2: "Possibly Damaging"; Align-GVGD: "Class C0"). This variant has not been reported in the literature in individuals affected with C1QC-related conditions. This variant is not present in population databases (gnomAD no frequency). This sequence change replaces valine, which is neutral and non-polar, with alanine, which is neutral and non-polar, at codon 228 of the C1QC protein (p.Val228Ala).